The following is an entry in ClinVar:

NM_006648.4(WNK2):c.1775C>T (p.Pro592Leu)

Gene: WNK2 (WNK lysine deficient protein kinase 2; plus strand). Cytogenetic location: 9q22.31.
Variant type: single nucleotide variant.
Coding change: c.1775C>T on transcript NM_006648.4 (MANE Select); coding-DNA position 1775, C replaced by T.
Protein change: p.Pro592Leu; replaces proline 592 with leucine.
Molecular consequence: missense variant.
Genome position (GRCh38, 1-based): chr9:93,247,775, C>T. VCF-style: chr9-93247775-C-T. GRCh37 (hg19) VCF-style: chr9-96010057-C-T.
Other names: c.1775C>T, p.Pro592Leu (NM_001282394.3); short protein forms P592L.
Identifiers: ClinVar variation 3816872 (VCV003816872.1).

ClinVar aggregate classification (germline): Uncertain significance (1 of 4 stars; one submission).

gnomAD v4.1: 47 of 1,549,532 alleles (0.003%); highest among the groups gnomAD compares: Non-Finnish European, 0.0039%; no homozygotes.

Submission:

Ambry Genetics
Classification: Uncertain significance. Last evaluated: 2025-01-18. Review status: criteria provided, single submitter. Criteria: Ambry Variant Classification Scheme 2023. Collection method: clinical testing. Allele origin: germline.
Comment: The p.P592L variant (also known as c.1775C>T), located in coding exon 7 of the WNK2 gene, results from a C to T substitution at nucleotide position 1775. The proline at codon 592 is replaced by leucine, an amino acid with similar properties. This amino acid position is conserved. In addition, this alteration is predicted to be tolerated by in silico analysis. Based on the available evidence, the clinical significance of this variant remains unclear.